The following is an entry in ClinVar:

NM_000455.5(STK11):c.717G>A (p.Trp239Ter)

Gene: STK11 (serine/threonine kinase 11; plus strand). Cytogenetic location: 19p13.3.
Variant type: single nucleotide variant.
Coding change: c.717G>A on transcript NM_000455.5 (MANE Select); coding-DNA position 717, G replaced by A.
Protein change: p.Trp239Ter; replaces tryptophan 239 with a stop codon.
Molecular consequence: nonsense.
Genome position (GRCh38, 1-based): chr19:1,220,700, G>A. VCF-style: chr19-1220700-G-A. GRCh37 (hg19) VCF-style: chr19-1220699-G-A.
Other names: short protein forms W239*.
Identifiers: ClinVar variation 280378 (VCV000280378.15), dbSNP rs137853082, ClinGen allele CA10603426.
Genomic context (GRCh38, chr19:1,220,700, plus strand): 5'-CCAGCCGCCCGAGATTGCCAACGGCCTGGACACCTTCTCCGGCTTCAAGGTGGACATCTG[G>A]TCGGCTGGGGTCACCCTGTAAGTGCCCCGCCCCCCCGGGCACTCACCACACGCACACTCC-3'

ClinVar aggregate classification (germline): Pathogenic. Review status: criteria provided, multiple submitters, no conflicts (2 of 4 stars). 6 submissions from 6 submitters: Pathogenic (6). Last evaluated 2026-06-29.

Conditions:
Hereditary cancer-predisposing syndrome. Also called: Tumor predisposition; Hereditary neoplastic syndrome; Neoplastic Syndromes, Hereditary; Hereditary Cancer Syndrome. Identifiers: Orphanet 140162, MedGen C0027672, MeSH D009386, MONDO:0015356.
Peutz-Jeghers syndrome (PJS). Also called: Peutz-Jeghers polyposis; Periorificial lentiginosis syndrome; POLYPOSIS, HAMARTOMATOUS INTESTINAL; POLYPS-AND-SPOTS SYNDROME. Identifiers: Orphanet 2869, MedGen C0031269, MeSH D010580, MONDO:0008280, OMIM 175200.

Submissions (6):

Genetics Laboratory, Great Ormond Street Hospital NHS Foundation Trust, North Thames Genomic Laboratory Hub
Classification: Pathogenic for Peutz Jeghers Syndrome. Last evaluated: 2026-06-29. Review status: criteria provided, single submitter. Criteria: CanVIG Consensus Spec V3.0. Collection method: clinical testing. Allele origin: germline. Affected: yes.
Comment: PM2_moderate, PVS1_very-strong

Ambry Genetics
Classification: Pathogenic for Hereditary cancer-predisposing syndrome. Last evaluated: 2025-09-24. Review status: criteria provided, single submitter. Criteria: Ambry Variant Classification Scheme 2023. Collection method: clinical testing. Allele origin: germline.
Comment: The p.W239* pathogenic mutation (also known as c.717G>A), located in coding exon 5 of the STK11 gene, results from a G to A substitution at nucleotide position 717. This changes the amino acid from a tryptophan to a stop codon within coding exon 5. This variant was reported in individual(s) with features consistent with Peutz-Jeghers syndrome (Fu J et al. Genet Test Mol Biomarkers, 2015 Sep;19:528-31). This variant is considered to be rare based on population cohorts in the Genome Aggregation Database (gnomAD). This alteration is expected to result in loss of function by premature protein truncation or nonsense-mediated mRNA decay. As such, this alteration is interpreted as a disease-causing mutation.

Myriad Genetics, Inc.
Classification: Pathogenic for Peutz-Jeghers syndrome. Last evaluated: 2024-02-12. Review status: criteria provided, single submitter. Criteria: Myriad Autosomal Dominant, Autosomal Recessive and X-Linked Classification Criteria (2023). Collection method: clinical testing. Allele origin: unknown.
Comment: This variant is considered pathogenic. This variant creates a termination codon and is predicted to result in premature protein truncation.

Genome-Nilou Lab
Classification: Pathogenic for Peutz-Jeghers syndrome. Last evaluated: 2021-07-15. Review status: criteria provided, single submitter. Criteria: ACMG Guidelines, 2015. Collection method: clinical testing. Allele origin: germline. Affected: no.

Labcorp Genetics (formerly Invitae), Labcorp
Classification: Pathogenic for Peutz-Jeghers syndrome. Last evaluated: 2018-09-11. Review status: criteria provided, single submitter. Criteria: Invitae Variant Classification Sherloc (09022015). Collection method: clinical testing. Allele origin: germline.
Comment: This variant has been observed in a family affected with Peutz–Jeghers syndrome (PMID: 26225618). ClinVar contains an entry for this variant (Variation ID: 280378). For these reasons, this variant has been classified as Pathogenic. Loss-of-function variants in STK11 are known to be pathogenic (PMID: 15188174, 16287113). This variant is not present in population databases (ExAC no frequency). This sequence change creates a premature translational stop signal (p.Trp239*) in the STK11 gene. It is expected to result in an absent or disrupted protein product.

GeneDx
Classification: Pathogenic. Last evaluated: 2016-07-24. Review status: criteria provided, single submitter. Criteria: GeneDx Variant Classification (06012015). Collection method: clinical testing. Allele origin: germline. Affected: yes.
Comment: The W239X nonsense variant in the STK11 gene has been reported previously in association with Peutz-Jeghers syndrome (Fu et al., 2015). This variant is predicted to cause loss of normal protein function either through protein truncation or nonsense-mediated mRNA decay. Based on the currently available evidence, we consider W239X to be pathogenic.

Literature cited by the submitters: PubMed 26225618 (cited by Ambry Genetics and Labcorp Genetics (formerly Invitae), Labcorp); PubMed 15188174 (cited by Labcorp Genetics (formerly Invitae), Labcorp); PubMed 16287113 (cited by Labcorp Genetics (formerly Invitae), Labcorp).